The following is an entry in ClinVar:

NM_014795.4(ZEB2):c.962A>G (p.His321Arg)

Gene: ZEB2 (zinc finger E-box binding homeobox 2; minus strand). Cytogenetic location: 2q22.3.
Variant type: single nucleotide variant.
Coding change: c.962A>G on transcript NM_014795.4 (MANE Select); coding-DNA position 962, A replaced by G.
Protein change: p.His321Arg; replaces histidine 321 with arginine.
Molecular consequence: missense variant.
Genome position (GRCh38, 1-based): chr2:144,400,225, T>C on the plus strand (A>G on the coding strand, the complement: ZEB2 is on the minus strand). VCF-style: chr2-144400225-T-C. GRCh37 (hg19) VCF-style: chr2-145157792-T-C.
Other names: c.890A>G, p.His297Arg (NM_001171653.2); short protein forms H297R, H321R.
Identifiers: ClinVar variation 2578072 (VCV002578072.1), dbSNP rs730881191, ClinGen allele CA348713324.

ClinVar aggregate classification (germline): Uncertain significance (1 of 4 stars; one submission).

Submission:

GeneDx
Classification: Uncertain significance. Last evaluated: 2023-03-02. Review status: criteria provided, single submitter. Criteria: GeneDx Variant Classification Process June 2021. Collection method: clinical testing. Allele origin: germline. Affected: yes.
Comment: Not observed at significant frequency in large population cohorts (gnomAD); In silico analysis supports that this missense variant has a deleterious effect on protein structure/function; Has not been previously published as pathogenic or benign to our knowledge